The following is an entry in ClinVar:

ClinVar aggregate classification (germline): Uncertain significance (1 of 4 stars; one submission).

Conditions:
Primary ciliary dyskinesia. Also called: Ciliary dyskinesia. Identifiers: Orphanet 244, MedGen C0008780, MONDO:0016575, HP:0012265.

gnomAD v4.1: 2 of 1,211,923 alleles (0.00017%); highest among the groups gnomAD compares: African/African-American, 0.0035%; no homozygotes.

Submission:

Labcorp Genetics (formerly Invitae), Labcorp
Classification: Uncertain significance for Primary ciliary dyskinesia. Last evaluated: 2024-01-08. Review status: criteria provided, single submitter. Criteria: Invitae Variant Classification Sherloc (09022015). Collection method: clinical testing. Allele origin: germline.
Comment: This sequence change replaces valine, which is neutral and non-polar, with leucine, which is neutral and non-polar, at codon 401 of the RPGR protein (p.Val401Leu). This variant is not present in population databases (gnomAD no frequency). This variant has not been reported in the literature in individuals affected with RPGR-related conditions. Advanced modeling of protein sequence and biophysical properties (such as structural, functional, and spatial information, amino acid conservation, physicochemical variation, residue mobility, and thermodynamic stability) performed at Invitae indicates that this missense variant is not expected to disrupt RPGR protein function with a negative predictive value of 95%. In summary, the available evidence is currently insufficient to determine the role of this variant in disease. Therefore, it has been classified as a Variant of Uncertain Significance.

NM_001034853.2(RPGR):c.1201G>T (p.Val401Leu)

Gene: RPGR (retinitis pigmentosa GTPase regulator; minus strand). Cytogenetic location: Xp11.4.
Variant type: single nucleotide variant.
Coding change: c.1201G>T on transcript NM_001034853.2 (MANE Select); coding-DNA position 1201, G replaced by T.
Protein change: p.Val401Leu; replaces valine 401 with leucine.
Molecular consequence: missense variant. On other transcripts: non-coding transcript variant (6), intron variant (2).
Genome position (GRCh38, 1-based): chrX:38,299,000, C>A on the plus strand (G>T on the coding strand, the complement: RPGR is on the minus strand). VCF-style: chrX-38299000-C-A. GRCh37 (hg19) VCF-style: chrX-38158253-C-A.
Other names: c.1201G>T, p.Val401Leu (NM_000328.3, NM_001367247.1); c.1198G>T, p.Val400Leu (NM_001367245.1, NM_001367249.1, NM_001367250.1); c.1231G>T, p.Val411Leu (NM_001367248.1); c.1060-1548G>T (NM_001367251.1, NM_001367246.1); short protein forms V400L, V401L, V411L.
Identifiers: ClinVar variation 2735621 (VCV002735621.3), dbSNP rs746767061, ClinGen allele CA412739790.